The following is an entry in ClinVar:

ClinVar aggregate classification (germline): Uncertain significance (1 of 4 stars; one submission).

Allele frequency attached by ClinVar (database versions not stated): gnomAD exomes 0.00003 and 0.00002; gnomAD 0.00001; TOPMed 0.00001; ExAC 0.00002.
gnomAD v4.1: 12 of 1,613,914 alleles (0.00074%); highest among the groups gnomAD compares: Admixed American, 0.018%; 1 homozygote.

Submission:

Labcorp Genetics (formerly Invitae), Labcorp
Classification: Uncertain significance. Last evaluated: 2024-10-16. Review status: criteria provided, single submitter. Criteria: Invitae Variant Classification Sherloc (09022015). Collection method: clinical testing. Allele origin: germline.
Comment: This sequence change replaces histidine, which is basic and polar, with tyrosine, which is neutral and polar, at codon 77 of the RIPPLY2 protein (p.His77Tyr). This variant is present in population databases (rs761710483, gnomAD 0.03%). This variant has not been reported in the literature in individuals affected with RIPPLY2-related conditions. ClinVar contains an entry for this variant (Variation ID: 1347529). An algorithm developed to predict the effect of missense changes on protein structure and function (PolyPhen-2) suggests that this variant is likely to be disruptive. In summary, the available evidence is currently insufficient to determine the role of this variant in disease. Therefore, it has been classified as a Variant of Uncertain Significance.

NM_001009994.3(RIPPLY2):c.229C>T (p.His77Tyr)

Genes: RIPPLY2 (ripply transcriptional repressor 2; plus strand), RIPPLY2-CYB5R4 (RIPPLY2-CYB5R4 readthrough; plus strand). Cytogenetic location: 6q14.2.
Variant type: single nucleotide variant.
Coding change: c.229C>T on transcript NM_001009994.3 (MANE Select); coding-DNA position 229, C replaced by T.
Protein change: p.His77Tyr; replaces histidine 77 with tyrosine.
Molecular consequence: missense variant. On other transcripts: non-coding transcript variant (1).
Genome position (GRCh38, 1-based): chr6:83,854,151, C>T. VCF-style: chr6-83854151-C-T. GRCh37 (hg19) VCF-style: chr6-84563870-C-T.
Other names: short protein forms H77Y.
Identifiers: ClinVar variation 1347529 (VCV001347529.6), dbSNP rs761710483, ClinGen allele CA3908875.
Genomic context (GRCh38, chr6:83,854,151, plus strand): 5'-CTCCAGATGCCCGATGGCCCTGGAATGACCGCAGCCTCAGGAAAGCTTTACCAATTCAGG[C>T]ACCCAGTCAGGTGAGTGACAGGCCTCGCCGAAGGTCTCCCGCTCCTCCAGCCCCAGGGAG-3'
Protein context (NP_001009994.1, residues 67-87): AASGKLYQFR[His77Tyr]PVRLFWPKSK